The following is an entry in ClinVar:

ClinVar aggregate classification (germline): Benign. Review status: criteria provided, multiple submitters, no conflicts (2 of 4 stars). 3 submissions from 3 submitters: Benign (3). Last evaluated 2024-07-31.

Allele frequency attached by ClinVar (database versions not stated): gnomAD 0.81085 and 0.81617; TOPMed 0.81817; 1000 Genomes Project 30x 0.82152; 1000 Genomes Project 0.83347; gnomAD exomes 0.87448.
gnomAD v4.1: 717,392 of 830,736 alleles (86%); highest among the groups gnomAD compares: East Asian, 97%; 311,505 homozygotes.

Submissions (3):

Unidad de Genómica Garrahan, Hospital de Pediatría Garrahan
Classification: Benign. Last evaluated: 2024-07-31. Review status: criteria provided, single submitter. Criteria: ACMG Guidelines, 2015. Collection method: clinical testing. Allele origin: germline. Affected: no. Observed: 27 variant alleles.
Comment: This variant is classified as Benign based on local population frequency. This variant was detected in 29% of patients studied in a panel designed for Epileptic and Developmental Encephalopathy, Progressive Myoclonus Epilepsy and Abnormal Movements and Neurodegeneration with brain iron accumulation. Number of patients: 27. Only high quality variants are reported.

GeneDx
Classification: Benign. Last evaluated: 2018-06-25. Review status: criteria provided, single submitter. Criteria: GeneDx Variant Classification Process June 2021. Collection method: clinical testing. Allele origin: germline. Affected: yes.

Breakthrough Genomics
Classification: Benign. Review status: criteria provided, single submitter. Criteria: ACMG Guidelines, 2015. Collection method: not provided. Allele origin: germline. Inheritance: Autosomal dominant inheritance. Affected: yes.

NM_001271.4(CHD2):c.5153+173G>C

Gene: CHD2 (chromodomain helicase DNA binding protein 2; plus strand). Cytogenetic location: 15q26.1.
Variant type: single nucleotide variant.
Coding change: c.5153+173G>C on transcript NM_001271.4 (MANE Select); 173 bases into the intron after coding-DNA position 5153, G replaced by C.
Molecular consequence: intron variant.
Genome position (GRCh38, 1-based): chr15:93,020,431, G>C. VCF-style: chr15-93020431-G-C. GRCh37 (hg19) VCF-style: chr15-93563661-G-C.
Identifiers: ClinVar variation 1293030 (VCV001293030.5), dbSNP rs964034, ClinGen allele CA14111221.
Genomic context (GRCh38, chr15:93,020,431, plus strand): 5'-CATGCATGTGTCAGCCACAGCGAATCCCATGTCTTGGTTATAGGTTTTATGTTTTGTTTT[G>C]TGGGTCATAGGGAGCACATTTCACCTGTGCAGGAAAAGAGTTTTCTGCCGTCTTTTGAGG-3'